The following is an entry in ClinVar:

NM_001394062.1(MACF1):c.15250T>A (p.Ser5084Thr)

Gene: MACF1 (microtubule actin crosslinking factor 1; plus strand). Cytogenetic location: 1p34.3.
Variant type: single nucleotide variant.
Coding change: c.15250T>A on transcript NM_001394062.1 (MANE Select); coding-DNA position 15250, T replaced by A.
Protein change: p.Ser5084Thr; replaces serine 5084 with threonine.
Molecular consequence: missense variant.
Genome position (GRCh38, 1-based): chr1:39,388,092, T>A. VCF-style: chr1-39388092-T-A. GRCh37 (hg19) VCF-style: chr1-39853764-T-A.
Other names: c.9064T>A, p.Ser3022Thr (NM_012090.5); short protein forms S3022T, S5084T.
Identifiers: ClinVar variation 4085845 (VCV004085845.8).

ClinVar aggregate classification (germline): Likely benign (1 of 4 stars; one submission).

gnomAD v4.1: 24 of 1,614,080 alleles (0.0015%); highest among the groups gnomAD compares: Non-Finnish European, 0.0019%; no homozygotes.

Submission:

CeGaT Center for Human Genetics Tuebingen
Classification: Likely benign. Last evaluated: 2025-08-01. Review status: criteria provided, single submitter. Criteria: CeGaT Center For Human Genetics Tuebingen Variant Classification Criteria Version 2. Collection method: clinical testing. Allele origin: germline. Affected: yes. Observed: 1 variant allele.
Comment: MACF1: BP4